The following is an entry in ClinVar:

NM_004817.4(TJP2):c.775C>G (p.Pro259Ala)

Gene: TJP2 (tight junction protein 2; plus strand). Cytogenetic location: 9q21.11.
Variant type: single nucleotide variant.
Coding change: c.775C>G on transcript NM_004817.4 (MANE Select); coding-DNA position 775, C replaced by G.
Protein change: p.Pro259Ala; replaces proline 259 with alanine.
Molecular consequence: missense variant.
Genome position (GRCh38, 1-based): chr9:69,221,319, C>G. VCF-style: chr9-69221319-C-G. GRCh37 (hg19) VCF-style: chr9-71836235-C-G.
Other names: c.775C>G, p.Pro259Ala (NM_001369873.1, NM_201629.3, NM_001369872.1); c.787C>G, p.Pro263Ala (NM_001369874.1, NM_001369875.1, NM_001170415.1); c.706C>G, p.Pro236Ala (NM_001170414.2, NM_001369870.1, NM_001369871.1); c.868C>G, p.Pro290Ala (NM_001170416.2); short protein forms P263A, P259A, P236A, P290A.
Identifiers: ClinVar variation 3677776 (VCV003677776.2).

ClinVar aggregate classification (germline): Uncertain significance (1 of 4 stars; one submission).

Submission:

Labcorp Genetics (formerly Invitae), Labcorp
Classification: Uncertain significance. Last evaluated: 2024-10-14. Review status: criteria provided, single submitter. Criteria: Invitae Variant Classification Sherloc (09022015). Collection method: clinical testing. Allele origin: germline.
Comment: This sequence change replaces proline, which is neutral and non-polar, with alanine, which is neutral and non-polar, at codon 259 of the TJP2 protein (p.Pro259Ala). This variant is present in population databases (no rsID available, gnomAD 0.001%). This variant has not been reported in the literature in individuals affected with TJP2-related conditions. An algorithm developed to predict the effect of missense changes on protein structure and function (PolyPhen-2) suggests that this variant is likely to be tolerated. In summary, the available evidence is currently insufficient to determine the role of this variant in disease. Therefore, it has been classified as a Variant of Uncertain Significance.